The following is an entry in ClinVar:

ClinVar aggregate classification (germline): Likely benign. Review status: criteria provided, multiple submitters, no conflicts (2 of 4 stars). 3 submissions from 3 submitters: Likely benign (3). Last evaluated 2025-08-01.

Conditions:
Nemaline myopathy 2 (NEM2). Also called: Nemaline myopathy 2, autosomal recessive. Identifiers: MedGen C1850569, MONDO:0009725, OMIM 256030.

Allele frequency attached by ClinVar (database versions not stated): gnomAD 0.00002; gnomAD exomes 0.00003; ExAC 0.00004; TOPMed 0.00006; ESP Exome Variant Server 0.00025.
gnomAD v4.1: 49 of 1,613,894 alleles (0.003%); highest among the groups gnomAD compares: Non-Finnish European, 0.004%; no homozygotes.

Submissions (3):

CeGaT Center for Human Genetics Tuebingen
Classification: Likely benign. Last evaluated: 2025-08-01. Review status: criteria provided, single submitter. Criteria: CeGaT Center For Human Genetics Tuebingen Variant Classification Criteria Version 2. Collection method: clinical testing. Allele origin: germline. Affected: yes. Observed: 1 variant allele.
Comment: NEB: BP4, BP7

Labcorp Genetics (formerly Invitae), Labcorp
Classification: Likely benign for Nemaline myopathy 2. Last evaluated: 2025-07-05. Review status: criteria provided, single submitter. Criteria: Invitae Variant Classification Sherloc (09022015). Collection method: clinical testing. Allele origin: germline.

Blueprint Genetics
Classification: Likely benign. Last evaluated: 2024-03-21. Review status: criteria provided, single submitter. Criteria: ACMG Guidelines, 2015. Collection method: clinical testing. Allele origin: germline.

NM_001164508.2(NEB):c.8823A>G (p.Lys2941=)

Gene: NEB (nebulin; minus strand). Cytogenetic location: 2q23.3.
Variant type: single nucleotide variant.
Coding change: c.8823A>G on transcript NM_001164508.2 (MANE Select); coding-DNA position 8823, A replaced by G.
Protein change: p.Lys2941=; no amino-acid change (lysine 2941 retained).
Molecular consequence: synonymous variant.
Genome position (GRCh38, 1-based): chr2:151,639,923, T>C on the plus strand (A>G on the coding strand, the complement: NEB is on the minus strand). VCF-style: chr2-151639923-T-C. GRCh37 (hg19) VCF-style: chr2-152496437-T-C.
Other names: c.8823A>G, p.Lys2941= (NM_001164507.2, NM_001271208.2, NM_004543.5).
Identifiers: ClinVar variation 1106588 (VCV001106588.18), dbSNP rs367619283, ClinGen allele CA1909494.